The following is an entry in ClinVar:

NM_153365.3(TAPT1):c.207A>G (p.Ser69=)

Gene: TAPT1 (transmembrane anterior posterior transformation 1; minus strand). Cytogenetic location: 4p15.32.
Variant type: single nucleotide variant.
Coding change: c.207A>G on transcript NM_153365.3 (MANE Select); coding-DNA position 207, A replaced by G.
Protein change: p.Ser69=; no amino-acid change (serine 69 retained).
Molecular consequence: synonymous variant.
Genome position (GRCh38, 1-based): chr4:16,213,891, T>C on the plus strand (A>G on the coding strand, the complement: TAPT1 is on the minus strand). VCF-style: chr4-16213891-T-C. GRCh37 (hg19) VCF-style: chr4-16215514-T-C.
Identifiers: ClinVar variation 1313095 (VCV001313095.9), dbSNP rs181652196, ClinGen allele CA2867564.

ClinVar aggregate classification (germline): Conflicting classifications of pathogenicity. Review status: criteria provided, conflicting classifications (1 of 4 stars). 2 submissions from 2 submitters: Uncertain significance (1); Likely benign (1). Last evaluated 2026-01-07.

Allele frequency attached by ClinVar (database versions not stated): gnomAD exomes 0.00006; ExAC 0.00008; TOPMed 0.00023; gnomAD 0.00024 and 0.00026; ESP Exome Variant Server 0.00025; 1000 Genomes Project 0.00040; 1000 Genomes Project 30x 0.00047.
gnomAD v4.1: 63 of 1,590,816 alleles (0.004%); highest among the groups gnomAD compares: African/African-American, 0.07%; no homozygotes.

Submissions (2):

Labcorp Genetics (formerly Invitae), Labcorp
Classification: Likely benign. Last evaluated: 2026-01-07. Review status: criteria provided, single submitter. Criteria: Invitae Variant Classification Sherloc (09022015). Collection method: clinical testing. Allele origin: germline.

GeneDx
Classification: Uncertain significance. Last evaluated: 2020-07-13. Review status: criteria provided, single submitter. Criteria: GeneDx Variant Classification Process June 2021. Collection method: clinical testing. Allele origin: germline. Affected: yes.
Comment: In silico analysis supports that this variant does not alter splicing; Has not been previously published as pathogenic or benign to our knowledge